The following is an entry in ClinVar:

NM_018359.5(UFSP2):c.857G>C (p.Gly286Ala)

Gene: UFSP2 (UFM1 specific peptidase 2; minus strand). Cytogenetic location: 4q35.1.
Variant type: single nucleotide variant.
Coding change: c.857G>C on transcript NM_018359.5 (MANE Select); coding-DNA position 857, G replaced by C.
Protein change: p.Gly286Ala; replaces glycine 286 with alanine.
Molecular consequence: missense variant. On other transcripts: non-coding transcript variant (2).
Genome position (GRCh38, 1-based): chr4:185,408,410, C>G on the plus strand (G>C on the coding strand, the complement: UFSP2 is on the minus strand). VCF-style: chr4-185408410-C-G. GRCh37 (hg19) VCF-style: chr4-186329564-C-G.
Other names: short protein forms G286A.
Identifiers: ClinVar variation 2329200 (VCV002329200.3), dbSNP rs2477704051, ClinGen allele CA358914388.

ClinVar aggregate classification (germline): Uncertain significance. Review status: criteria provided, multiple submitters, no conflicts (2 of 4 stars). 2 submissions from 2 submitters: Uncertain significance (2). Last evaluated 2022-11-21.

Submissions (2):

Ambry Genetics
Classification: Uncertain significance. Last evaluated: 2022-11-21. Review status: criteria provided, single submitter. Criteria: Ambry Variant Classification Scheme 2023. Collection method: clinical testing. Allele origin: germline.

GeneDx
Classification: Uncertain significance. Last evaluated: 2022-01-11. Review status: criteria provided, single submitter. Criteria: GeneDx Variant Classification Process June 2021. Collection method: clinical testing. Allele origin: germline. Affected: yes.
Comment: Has not been previously published as pathogenic or benign to our knowledge; Not observed at significant frequency in large population cohorts (gnomAD); In silico analysis supports that this missense variant does not alter protein structure/function; Variants in candidate genes are classified as variants of uncertain significance in accordance with ACMG guidelines (Richards et al., 2015)